The following is an entry in ClinVar:

ClinVar aggregate classification (germline): Conflicting classifications of pathogenicity. Review status: criteria provided, conflicting classifications (1 of 4 stars). 12 submissions from 12 submitters: Uncertain significance (7); Likely benign (4). 1 of the submissions does not count toward it. Last evaluated 2026-08-06.

Conditions:
Familial cancer of breast. Also called: BREAST CANCER, FAMILIAL; hereditary breast carcinoma; Hereditary breast cancer. Identifiers: Orphanet 227535, MedGen C0346153, MONDO:0016419, OMIM 114480. Disease mechanism: loss of function.
Fanconi anemia complementation group D1. Also called: BRCA2-Related Fanconi Anemia. Identifiers: Orphanet 319462, MedGen C1838457, MONDO:0011584, OMIM 605724.
Medulloblastoma (MDB). Also called: Medulloblastoma, somatic; MEDULLOBLASTOMA PREDISPOSITION SYNDROME. Identifiers: Orphanet 616, MedGen C0025149, MeSH D008527, MONDO:0007959, OMIM 155255, HP:0002885.
Breast-ovarian cancer, familial, susceptibility to, 2 (BROVCA2). Also called: BRCA2 Hereditary Breast and Ovarian Cancer. Identifiers: Orphanet 145, MedGen C2675520, MONDO:0012933, OMIM 612555. Disease mechanism: loss of function.
Wilms tumor 1 (WT1). Also called: Wilms tumor, somatic. Identifiers: Orphanet 654, MedGen CN033288, MONDO:0008679, OMIM 194070.
Glioma susceptibility 3 (GLM3). Also called: Glioblastoma 3. Identifiers: Orphanet 182067, Orphanet 360, MedGen C2751641, MONDO:0013093, OMIM 613029.
Pancreatic cancer, susceptibility to, 2. Identifiers: Orphanet 1333, MedGen C3150546, MONDO:0013235, OMIM 613347.
Familial prostate cancer. Also called: Hereditary Prostate Cancer. Identifiers: MedGen C2931456, MONDO:0700275, OMIM 176807.
BRCA2-related cancer predisposition. Identifiers: MedGen CN377758, MONDO:0700269.
Hereditary cancer-predisposing syndrome. Also called: Neoplastic Syndromes, Hereditary; Hereditary neoplastic syndrome; Hereditary Cancer Syndrome; Tumor predisposition. Identifiers: Orphanet 140162, MedGen C0027672, MeSH D009386, MONDO:0015356.
Hereditary breast ovarian cancer syndrome. Also called: Breast and ovarian cancer; Hereditary breast and/or ovarian cancer syndrome; Hereditary breast and ovarian cancer syndrome; Hereditary breast and ovarian cancer syndrome (HBOC); Hereditary breast and ovarian cancer; BRCA1- and BRCA2-Associated Hereditary Breast and Ovarian Cancer. Identifiers: Orphanet 145, MedGen C0677776, MeSH D061325, MONDO:0003582. Disease mechanism: loss of function.

Allele frequency attached by ClinVar (database versions not stated): gnomAD exomes below 0.00001 and 0.00001; TOPMed 0.00003; gnomAD 0.00005.
gnomAD v4.1: 12 of 1,613,758 alleles (0.00074%); highest among the groups gnomAD compares: African/African-American, 0.016%; no homozygotes.

Submissions (12):

OLLIN Analises Genomicas, OLLIN
Classification: Uncertain significance for Familial prostate cancer. Last evaluated: 2026-08-06. Review status: criteria provided, single submitter. Criteria: ACMG Guidelines 2015 PMID 25741868. Collection method: clinical testing. Allele origin: germline. Inheritance: Autosomal recessive inheritance.
Comment: This missense variant, located in exon 11 (of 27), has been reported in ClinVar (accession VCV001112621.9) and in gnomAD with an allele frequency of 0.00074%. However, to our knowledge, it has not been reported in the scientific literature. In silico analysis predicts that this variant has a tolerated effect. According to the currently available evidence, this variant has been classified as uncertain significance (BP4).

Labcorp Genetics (formerly Invitae), Labcorp
Classification: Uncertain significance for Hereditary breast ovarian cancer syndrome. Last evaluated: 2025-08-30. Review status: criteria provided, single submitter. Criteria: Invitae Variant Classification Sherloc (09022015). Collection method: clinical testing. Allele origin: germline.
Comment: This sequence change replaces lysine, which is basic and polar, with asparagine, which is neutral and polar, at codon 2008 of the BRCA2 protein (p.Lys2008Asn). This variant is present in population databases (rs56324666, gnomAD 0.02%). This missense change has been observed in individual(s) with a personal and/or family history of breast cancer (PMID: 35264596, 36881271). ClinVar contains an entry for this variant (Variation ID: 141008). Invitae Evidence Modeling of protein sequence and biophysical properties (such as structural, functional, and spatial information, amino acid conservation, physicochemical variation, residue mobility, and thermodynamic stability) indicates that this missense variant is not expected to disrupt BRCA2 protein function with a negative predictive value of 95%. In summary, the available evidence is currently insufficient to determine the role of this variant in disease. Therefore, it has been classified as a Variant of Uncertain Significance.

Color Diagnostics, LLC DBA Color Health
Classification: Likely benign for Hereditary cancer-predisposing syndrome. Last evaluated: 2025-07-29. Review status: criteria provided, single submitter. Criteria: ACMG Guidelines, 2015. Collection method: clinical testing. Allele origin: germline.

Ambry Genetics
Classification: Likely benign for Hereditary cancer-predisposing syndrome. Last evaluated: 2025-06-27. Review status: criteria provided, single submitter. Criteria: Ambry Variant Classification Scheme 2023. Collection method: clinical testing. Allele origin: germline.

Quest Diagnostics Nichols Institute San Juan Capistrano
Classification: Uncertain significance. Last evaluated: 2025-03-11. Review status: criteria provided, single submitter. Criteria: Quest Diagnostics criteria. Collection method: clinical testing. Allele origin: unknown.
Comment: The BRCA2 c.6024G>C (p.Lys2008Asn) variant has been reported in the published literature in individuals with breast cancer (PMIDs: 35264596 (2022), 36881271 (2023)), and described to be located in a region of the BRCA2 gene that is tolerant to missense sequence changes (PMID: 31911673 (2020)). The frequency of this variant in the general population (Genome Aggregation Database) is uninformative in the assessment of its pathogenicity. Analysis of this variant using bioinformatics tools for the prediction of the effect of amino acid changes on protein structure and function yielded predictions that this variant is benign. Based on the available information, we are unable to determine the clinical significance of this variant.

All of Us Research Program, National Institutes of Health
Classification: Uncertain significance for BRCA2-related cancer predisposition. Last evaluated: 2024-08-06. Review status: criteria provided, single submitter. Criteria: ACMG Guidelines, 2015. Collection method: clinical testing. Allele origin: germline. Inheritance: Autosomal dominant inheritance. Observed: 2 variant alleles, 2 heterozygotes.
Comment: This study involves interpretation of variants in research participants for the purpose of population health screening. Participant phenotype was not available at the time of variant classification. Additional details can be found in publication PMID: 35346344, PMCID: PMC8962531

Mendelics
Classification: Likely benign for Breast-ovarian cancer, familial, susceptibility to, 2. Last evaluated: 2024-04-09. Review status: criteria provided, single submitter. Criteria: ACMG Guidelines, 2015. Collection method: clinical testing. Allele origin: unknown.

Fulgent Genetics
Classification: Uncertain significance for Familial cancer of breast; Medulloblastoma; Familial prostate cancer; Wilms tumor 1; Fanconi anemia complementation group D1; Breast-ovarian cancer, familial, susceptibility to, 2; Glioma susceptibility 3; Pancreatic cancer, susceptibility to, 2. Last evaluated: 2024-02-24. Review status: criteria provided, single submitter. Criteria: ACMG Guidelines, 2015. Collection method: clinical testing. Allele origin: germline.

GeneDx
Classification: Uncertain significance. Last evaluated: 2024-02-07. Review status: criteria provided, single submitter. Criteria: GeneDx Variant Classification Process June 2021. Collection method: clinical testing. Allele origin: germline. Affected: yes.
Comment: Not observed at significant frequency in large population cohorts (gnomAD); In silico analysis supports that this missense variant has a deleterious effect on protein structure/function; Also known as 6252G>C; This variant is associated with the following publications: (PMID: 32377563, 29884841, 31853058, 31911673, 35264596, 36881271)

University of Washington Department of Laboratory Medicine, University of Washington
Classification: Likely benign for Hereditary cancer-predisposing syndrome. Last evaluated: 2023-03-23. Review status: criteria provided, single submitter. Criteria: Dines et al. (Genet Med. 2020). Collection method: curation. Allele origin: germline.
Comment: Missense variant in a coldspot region where missense variants are very unlikely to be pathogenic (PMID:31911673).

BRCA2 exon 11 coldspot. Reclassification based on statistical prior probability.

Women's Health and Genetics/Laboratory Corporation of America, LabCorp
Classification: Uncertain significance. Last evaluated: 2020-11-25. Review status: criteria provided, single submitter. Criteria: LabCorp Variant Classification Summary - May 2015. Collection method: clinical testing. Allele origin: germline.
Comment: Variant summary: BRCA2 c.6024G>C (p.Lys2008Asn) results in a non-conservative amino acid change located in the RAD51-binding domain (PMID: 22193408) of the encoded protein sequence. Four of five in-silico tools predict a benign effect of the variant on protein function. The variant allele was found at a frequency of 1.2e-05 in 250716 control chromosomes. The available data on variant occurrences in the general population are insufficient to allow any conclusion about variant significance. To our knowledge, no occurrence of c.6024G>C in individuals affected with Hereditary Breast And Ovarian Cancer Syndrome and no experimental evidence demonstrating its impact on protein function have been reported. Eight clinical diagnostic laboratories have submitted clinical-significance assessments for this variant to ClinVar after 2014 without evidence for independent evaluation. All laboratories classified the variant as uncertain significance. Based on the evidence outlined above, the variant was classified as uncertain significance.

Counsyl
Classification: Uncertain significance for Breast-ovarian cancer, familial, susceptibility to, 2. Last evaluated: 2016-02-09. Review status: no assertion criteria provided. Collection method: clinical testing. Allele origin: unknown. Not counted in ClinVar's aggregate classification.

Literature cited by the submitters: PubMed 35264596 (cited by 3 submitters); PubMed 36881271 (cited by Labcorp Genetics (formerly Invitae), Labcorp and Quest Diagnostics Nichols Institute San Juan Capistrano); PubMed 31911673 (cited by Quest Diagnostics Nichols Institute San Juan Capistrano).

NM_000059.4(BRCA2):c.6024G>C (p.Lys2008Asn)

Gene: BRCA2 (BRCA2 DNA repair associated; plus strand). Cytogenetic location: 13q13.1.
Variant type: single nucleotide variant.
Coding change: c.6024G>C on transcript NM_000059.4 (MANE Select); coding-DNA position 6024, G replaced by C.
Protein change: p.Lys2008Asn; replaces lysine 2008 with asparagine.
Molecular consequence: missense variant.
Genome position (GRCh38, 1-based): chr13:32,340,379, G>C. VCF-style: chr13-32340379-G-C. GRCh37 (hg19) VCF-style: chr13-32914516-G-C.
Other names: p.K2008N:AAG>AAC; short protein forms K2008N.
Identifiers: ClinVar variation 141008 (VCV000141008.36), dbSNP rs56324666, ClinGen allele CA023537.
Genomic context (GRCh38, chr13:32,340,379, plus strand): 5'-ATCAGATGCTTCATTACAAAACGCAAGACAAGTGTTTTCTGAAATAGAAGATAGTACCAA[G>C]CAAGTCTTTTCCAAAGTATTGTTTAAAAGTAACGAACATTCAGACCAGCTCACAAGAGAA-3'
Protein context (NP_000050.3, residues 1998-2018): QVFSEIEDST[Lys2008Asn]QVFSKVLFKS